The following is an entry in ClinVar:

ClinVar aggregate classification (germline): Uncertain significance (1 of 4 stars; one submission).

Conditions:
Desbuquois dysplasia 1 (DBQD1). Also called: DESBUQUOIS DYSPLASIA 1, KIM VARIANT; MICROMELIC DWARFISM WITH VERTEBRAL AND METAPHYSEAL ABNORMALITIES AND ADVANCED CARPOTARSAL OSSIFICATION. Identifiers: Orphanet 1425, MedGen C4012146, MONDO:0009629, OMIM 251450.

Allele frequency attached by ClinVar (database versions not stated): TOPMed below 0.00001; gnomAD 0.00001.
gnomAD v4.1: 4 of 1,515,396 alleles (0.00026%); highest among the groups gnomAD compares: South Asian, 0.0013%; no homozygotes.

Submission:

Labcorp Genetics (formerly Invitae), Labcorp
Classification: Uncertain significance for Desbuquois dysplasia 1. Last evaluated: 2022-04-18. Review status: criteria provided, single submitter. Criteria: Invitae Variant Classification Sherloc (09022015). Collection method: clinical testing. Allele origin: germline.
Comment: In summary, the available evidence is currently insufficient to determine the role of this variant in disease. Therefore, it has been classified as a Variant of Uncertain Significance. Algorithms developed to predict the effect of missense changes on protein structure and function output the following: SIFT: "Deleterious"; PolyPhen-2: "Benign"; Align-GVGD: "Class C0". The arginine amino acid residue is found in multiple mammalian species, which suggests that this missense change does not adversely affect protein function. This variant has not been reported in the literature in individuals affected with XYLT1-related conditions. This variant is not present in population databases (gnomAD no frequency). This sequence change replaces lysine, which is basic and polar, with arginine, which is basic and polar, at codon 288 of the XYLT1 protein (p.Lys288Arg).

NM_022166.4(XYLT1):c.863A>G (p.Lys288Arg)

Gene: XYLT1 (xylosyltransferase 1; minus strand). Cytogenetic location: 16p12.3.
Variant type: single nucleotide variant.
Coding change: c.863A>G on transcript NM_022166.4 (MANE Select); coding-DNA position 863, A replaced by G.
Protein change: p.Lys288Arg; replaces lysine 288 with arginine.
Molecular consequence: missense variant.
Genome position (GRCh38, 1-based): chr16:17,259,038, T>C on the plus strand (A>G on the coding strand, the complement: XYLT1 is on the minus strand). VCF-style: chr16-17259038-T-C. GRCh37 (hg19) VCF-style: chr16-17352895-T-C.
Other names: short protein forms K288R.
Identifiers: ClinVar variation 2064054 (VCV002064054.4), dbSNP rs762174853, ClinGen allele CA394891771.